The following is an entry in ClinVar:

NM_173660.5(DOK7):c.668dup (p.Pro224fs)

Gene: DOK7 (docking protein 7; plus strand). Cytogenetic location: 4p16.3.
Variant type: Duplication.
Coding change: c.668dup on transcript NM_173660.5 (MANE Select); coding-DNA position 668, one base duplicated (G; older notation c.668dupG).
Protein change: p.Pro224fs; shifts the reading frame from proline 224.
Molecular consequence: frameshift variant. On other transcripts: 5 prime UTR variant (1).
Genome position (GRCh38, 1-based): chr4:3,489,692, G duplicated; the last of 3 consecutive G bases (chr4:3,489,690-3,489,692); duplicating any one gives the same sequence. VCF-style (leftmost placement, unchanged base first): chr4-3489689-C-CG. GRCh37 (hg19) VCF-style: chr4-3491416-C-CG.
Other names: c.657dup, p.Thr220fs (NM_001164673.2); c.-263dup (NM_001256896.2); c.668dup, p.Pro224fs (NM_001301071.2); c.236dup, p.Pro80fs (NM_001363811.2); short protein forms P224fs, P80fs, T220fs.
Identifiers: ClinVar variation 2948507 (VCV002948507.3), dbSNP rs2475075544, ClinGen allele CA2740091104.
Genomic context (GRCh38, chr4:3,489,689, plus strand): 5'-GTGGGCGGTGGTGGCCACCTCCTCCACCGAGTCTTCTCTCTGCCACAGACCCAAGTCCCC[C>CG]GGGACCCTCGACTGTGGAGGAGCGTGTGGCCCAGGAAGCCCTGGAAACCCTACAGCTGGA-3'

ClinVar aggregate classification (germline): Pathogenic (1 of 4 stars; one submission).

Conditions:
Congenital myasthenic syndrome 10. Also called: Myasthenia, limb-girdle, familial. Identifiers: Orphanet 590, MedGen C1850792, MONDO:0009690, OMIM 254300.
Fetal akinesia deformation sequence 1 (FADS1). Also called: Pena-Shokeir syndrome type I; Fetal akinesia sequence. Identifiers: Orphanet 994, MedGen C1276035, MONDO:0100101, OMIM 208150, HP:0001989.

Submission:

Labcorp Genetics (formerly Invitae), Labcorp
Classification: Pathogenic for Congenital myasthenic syndrome 10; Fetal akinesia deformation sequence 1. Last evaluated: 2022-10-13. Review status: criteria provided, single submitter. Criteria: Invitae Variant Classification Sherloc (09022015). Collection method: clinical testing. Allele origin: germline.
Comment: This variant is not present in population databases (gnomAD no frequency). This sequence change creates a premature translational stop signal (p.Pro224Thrfs*37) in the DOK7 gene. While this is not anticipated to result in nonsense mediated decay, it is expected to disrupt the last 281 amino acid(s) of the DOK7 protein. This variant has not been reported in the literature in individuals affected with DOK7-related conditions. For these reasons, this variant has been classified as Pathogenic. This variant disrupts a region of the DOK7 protein in which other variant(s) (p.Pro486Argfs*15) have been determined to be pathogenic (PMID: 29118959). This suggests that this is a clinically significant region of the protein, and that variants that disrupt it are likely to be disease-causing.

Literature cited by the submitters: PubMed 29118959.